The following is an entry in ClinVar:

NM_001793.6(CDH3):c.1377G>A (p.Val459=)

Gene: CDH3 (cadherin 3; plus strand). Cytogenetic location: 16q22.1.
Variant type: single nucleotide variant.
Coding change: c.1377G>A on transcript NM_001793.6 (MANE Select); coding-DNA position 1377, G replaced by A.
Protein change: p.Val459=; no amino-acid change (valine 459 retained).
Molecular consequence: synonymous variant.
Genome position (GRCh38, 1-based): chr16:68,684,777, G>A. VCF-style: chr16-68684777-G-A. GRCh37 (hg19) VCF-style: chr16-68718680-G-A.
Other names: c.1377G>A, p.Val459= (NM_001317195.3); c.1212G>A, p.Val404= (NM_001317196.2); c.1377G>A (NM_001793.5).
Identifiers: ClinVar variation 2028808 (VCV002028808.6), dbSNP rs199768758, ClinGen allele CA8129341.

ClinVar aggregate classification (germline): Likely benign. Review status: criteria provided, single submitter (1 of 4 stars). 2 submissions from 2 submitters: Likely benign (1). 1 of the submissions does not count toward it. Last evaluated 2022-09-03.

Conditions:
CDH3-related disorder. Also called: CDH3-related condition.

Allele frequency attached by ClinVar (database versions not stated): ExAC 0.00001; gnomAD 0.00001; 1000 Genomes Project 30x 0.00016; 1000 Genomes Project 0.00020.
gnomAD v4.1: 3 of 1,614,196 alleles (0.00019%); highest among the groups gnomAD compares: Admixed American, 0.0033%; no homozygotes.

Submissions (2):

Labcorp Genetics (formerly Invitae), Labcorp
Classification: Likely benign. Last evaluated: 2022-09-03. Review status: criteria provided, single submitter. Criteria: Invitae Variant Classification Sherloc (09022015). Collection method: clinical testing. Allele origin: germline.

PreventionGenetics, part of Exact Sciences
Classification: Likely benign for CDH3-related condition. Last evaluated: 2019-08-08. Review status: no assertion criteria provided. Collection method: clinical testing. Allele origin: germline. Not counted in ClinVar's aggregate classification.
Comment: This variant is classified as likely benign based on ACMG/AMP sequence variant interpretation guidelines (Richards et al. 2015 PMID: 25741868, with internal and published modifications).